The following is an entry in ClinVar:

ClinVar aggregate classification (germline): Likely benign. Review status: criteria provided, multiple submitters, no conflicts (2 of 4 stars). 5 submissions from 5 submitters: Likely benign (5). Last evaluated 2025-11-08.

Conditions:
Cardiomyopathy (CMYO). Also called: Cardiomyopathies. Identifiers: Orphanet 167848, MedGen C0878544, MONDO:0004994, HP:0001638. Inheritance: Various modes of inheritance.
Cardiovascular phenotype. Identifiers: MedGen CN230736.
Hypertrophic cardiomyopathy. Also called: HYPERTROPHIC MYOCARDIOPATHY. Identifiers: Orphanet 217569, MedGen C0007194, MeSH D002312, MONDO:0005045, HP:0001639.

Submissions (5):

Labcorp Genetics (formerly Invitae), Labcorp
Classification: Likely benign for Hypertrophic cardiomyopathy. Last evaluated: 2025-11-08. Review status: criteria provided, single submitter. Criteria: Invitae Variant Classification Sherloc (09022015). Collection method: clinical testing. Allele origin: germline.

Mayo Clinic Laboratories, Mayo Clinic
Classification: Likely benign. Last evaluated: 2025-01-07. Review status: criteria provided, single submitter. Criteria: ACMG Guidelines, 2015. Collection method: clinical testing. Allele origin: germline. Observed: 1 variant allele.
Comment: BP4, BP7, PM2_supporting

Ambry Genetics
Classification: Likely benign for Cardiovascular phenotype. Last evaluated: 2023-02-13. Review status: criteria provided, single submitter. Criteria: Ambry Variant Classification Scheme 2023. Collection method: clinical testing. Allele origin: germline.

GeneDx
Classification: Likely benign. Last evaluated: 2020-08-05. Review status: criteria provided, single submitter. Criteria: GeneDx Variant Classification Process June 2021. Collection method: clinical testing. Allele origin: germline. Affected: yes.

Color Diagnostics, LLC DBA Color Health
Classification: Likely benign for Cardiomyopathy. Last evaluated: 2019-01-11. Review status: criteria provided, single submitter. Criteria: ACMG Guidelines, 2015. Collection method: clinical testing. Allele origin: germline.

NM_000257.4(MYH7):c.1917G>A (p.Lys639=)

Gene: MYH7 (myosin heavy chain 7; minus strand). Cytogenetic location: 14q11.2.
Variant type: single nucleotide variant.
Coding change: c.1917G>A on transcript NM_000257.4 (MANE Select); coding-DNA position 1917, G replaced by A.
Protein change: p.Lys639=; no amino-acid change (lysine 639 retained).
Molecular consequence: synonymous variant.
Genome position (GRCh38, 1-based): chr14:23,427,279, C>T on the plus strand (G>A on the coding strand, the complement: MYH7 is on the minus strand). VCF-style: chr14-23427279-C-T. GRCh37 (hg19) VCF-style: chr14-23896488-C-T.
Other names: p.Lys639=; c.1917G>A (LRG_384t1).
Identifiers: ClinVar variation 390752 (VCV000390752.16), dbSNP rs1057523883, ClinGen allele CA16606952.